The following is an entry in ClinVar:

NM_000171.4(GLRA1):c.1181C>T (p.Pro394Leu)

Gene: GLRA1 (glycine receptor alpha 1; minus strand). Cytogenetic location: 5q33.1.
Variant type: single nucleotide variant.
Coding change: c.1181C>T on transcript NM_000171.4 (MANE Select); coding-DNA position 1181, C replaced by T.
Protein change: p.Pro394Leu; replaces proline 394 with leucine.
Molecular consequence: missense variant.
Genome position (GRCh38, 1-based): chr5:151,822,842, G>A on the plus strand (C>T on the coding strand, the complement: GLRA1 is on the minus strand). VCF-style: chr5-151822842-G-A. GRCh37 (hg19) VCF-style: chr5-151202403-G-A.
Other names: p.Pro394Leu; c.1205C>T, p.Pro402Leu (NM_001146040.2); c.932C>T, p.Pro311Leu (NM_001292000.2); short protein forms P394L, P402L, P311L.
Identifiers: ClinVar variation 352308 (VCV000352308.21), dbSNP rs62636581, ClinGen allele CA3523488.

ClinVar aggregate classification (germline): Benign. Review status: criteria provided, multiple submitters, no conflicts (2 of 4 stars). 6 submissions from 6 submitters: Benign (5). 1 of the submissions does not count toward it. Last evaluated 2026-01-28.

Conditions:
Hereditary hyperekplexia. Identifiers: Orphanet 3197, MedGen C4084968, MONDO:0021022.
Hyperekplexia 1 (STHE). Also called: HYPEREKPLEXIA 1, AUTOSOMAL DOMINANT; HYPEREKPLEXIA 1, AUTOSOMAL RECESSIVE; EXAGGERATED STARTLE REACTION; KOK DISEASE; STARTLE DISEASE, FAMILIAL; STIFF-BABY SYNDROME. Identifiers: Orphanet 3197, MedGen C4551954, MONDO:0007868, OMIM 149400.
GLRA1-related disorder. Also called: GLRA1-related condition.

Allele frequency attached by ClinVar (database versions not stated): 1000 Genomes Project 0.01238; 1000 Genomes Project 30x 0.01327; TOPMed 0.01570; ESP Exome Variant Server 0.01661.
gnomAD v4.1: 4,381 of 1,614,106 alleles (0.27%); highest among the groups gnomAD compares: African/African-American, 5.3%; 111 homozygotes.

Submissions (6):

Labcorp Genetics (formerly Invitae), Labcorp
Classification: Benign for Hereditary hyperekplexia. Last evaluated: 2026-01-28. Review status: criteria provided, single submitter. Criteria: Invitae Variant Classification Sherloc (09022015). Collection method: clinical testing. Allele origin: germline.

Mayo Clinic Laboratories, Mayo Clinic
Classification: Benign. Last evaluated: 2023-04-28. Review status: criteria provided, single submitter. Criteria: ACMG Guidelines, 2015. Collection method: clinical testing. Allele origin: germline. Observed: 3 variant alleles.
Comment: BA1

GeneDx
Classification: Benign. Last evaluated: 2018-08-17. Review status: criteria provided, single submitter. Criteria: GeneDx Variant Classification Process June 2021. Collection method: clinical testing. Allele origin: germline. Affected: yes.

Illumina Laboratory Services, Illumina
Classification: Benign for Hyperekplexia 1. Last evaluated: 2018-01-13. Review status: criteria provided, single submitter. Criteria: ICSL Variant Classification Criteria 13 December 2019. Collection method: clinical testing. Allele origin: germline.
Comment: This variant was observed in the ICSL laboratory as part of a predisposition screen in an ostensibly healthy population. It had not been previously curated by ICSL or reported in the Human Gene Mutation Database (HGMD: prior to June 1st, 2018), and was therefore a candidate for classification through an automated scoring system. Utilizing variant allele frequency, disease prevalence and penetrance estimates, and inheritance mode, an automated score was calculated to assess if this variant is too frequent to cause the disease. Based on the score and internal cut-off values, a variant classified as benign is not then subjected to further curation. The score for this variant resulted in a classification of benign for this disease.

Center for Pediatric Genomic Medicine, Children's Mercy Hospital and Clinics
Classification: Benign. Last evaluated: 2017-02-27. Review status: criteria provided, single submitter. Criteria: ACMG Guidelines, 2015. Collection method: clinical testing. Allele origin: germline.

PreventionGenetics, part of Exact Sciences
Classification: Benign for GLRA1-related condition. Last evaluated: 2019-08-12. Review status: no assertion criteria provided. Collection method: clinical testing. Allele origin: germline. Not counted in ClinVar's aggregate classification.
Comment: This variant is classified as benign based on ACMG/AMP sequence variant interpretation guidelines (Richards et al. 2015 PMID: 25741868, with internal and published modifications).

Literature cited by the submitters: PubMed 32354853 (cited by Mayo Clinic Laboratories, Mayo Clinic).